The following is an entry in ClinVar:

ClinVar aggregate classification (germline): Uncertain significance (1 of 4 stars; one submission).

Conditions:
Developmental and epileptic encephalopathy, 25 (DEE25). Also called: Developmental and epileptic encephalopathy 25, with amelogenesis imperfecta; Epileptic encephalopathy, early infantile, 25, with amelogenesis imperfecta; Epileptic encephalopathy, early infantile, 25. Identifiers: Orphanet 442835, MedGen C4014621, MONDO:0014392, OMIM 615905.

Submission:

Labcorp Genetics (formerly Invitae), Labcorp
Classification: Uncertain significance for Developmental and epileptic encephalopathy, 25. Last evaluated: 2020-07-29. Review status: criteria provided, single submitter. Criteria: Invitae Variant Classification Sherloc (09022015). Collection method: clinical testing. Allele origin: germline.
Comment: This variant results in a copy number gain of the genomic region encompassing the full coding sequence of the SLC13A5 gene. The boundaries of this event are unknown as they extend beyond the assayed region for this gene and therefore may encompass additional genes. As the precise location of this event is unknown, it may be in tandem or it may be located elsewhere in the genome. This variant has not been reported in the literature in individuals with SLC13A5-related conditions. Experimental studies are not available for this variant, and the functional significance of a copy number gain of this gene is currently unknown. In summary, the available evidence is currently insufficient to determine the role of this variant in disease. Therefore, it has been classified as a Variant of Uncertain Significance.

NC_000017.10:g.(?_6328780)_(7128416_?)dup

Genes: AIPL1 (AIP like 1 HSP90 co-chaperone; minus strand), ALOX12 (arachidonate 12-lipoxygenase, 12S type; plus strand), ACADVL (acyl-CoA dehydrogenase very long chain; plus strand), ASGR1 (asialoglycoprotein receptor 1; minus strand), ASGR2 (asialoglycoprotein receptor 2; minus strand) and 19 more. Cytogenetic location: 17p13.2-13.1.
Variant type: Duplication.
Identifiers: ClinVar variation 1020704 (VCV001020704.1).